The following is an entry in ClinVar:

ClinVar aggregate classification (germline): Uncertain significance. Review status: reviewed by expert panel (3 of 4 stars). 2 submissions from 2 submitters: Uncertain significance (1). 1 of the submissions does not count toward it. Last evaluated 2025-01-15.

Conditions:
Hereditary thrombocytopenia and hematologic cancer predisposition syndrome. Identifiers: Orphanet 71290, MedGen CN281654, MONDO:0011071.
Hereditary thrombocytopenia and hematological cancer predisposition syndrome associated with RUNX1. Also called: Familial Platelet Disorder with Propensity to Acute Myelogenous Leukemia; Familial thrombocytopenia with propensity to acute myelogenous leukemia; PLATELET DISORDER, ASPIRIN-LIKE; RUNX1 Familial Platelet Disorder with Associated Myeloid Malignancies. Identifiers: Orphanet 71290, MedGen C1832388, MeSH C563324, MONDO:0100083, OMIM 601399.

Submissions (2):

ClinGen Myeloid Malignancy Variant Curation Expert Panel
Classification: Uncertain significance for Hereditary thrombocytopenia and hematologic cancer predisposition syndrome. Last evaluated: 2025-01-15. Review status: reviewed by expert panel. Criteria: ClinGen MyeloMalig ACMG Specifications v2. Collection method: curation. Allele origin: germline. Inheritance: Autosomal dominant inheritance.
Comment: NM_001754.5(RUNX1):c.509-11T>C is an intronic variant which has a SpliceAI score ≤ 0.20 (0.01) (BP4). This variant is completely absent from all population databases with at least 20x coverage for RUNX1 (PM2_supporting). In summary, the clinical significance of this variant is uncertain. ACMG/AMP criteria applied, as specified by the Myeloid Malignancy Variant Curation Expert Panel for RUNX1: BP4, PM2_supporting.

Labcorp Genetics (formerly Invitae), Labcorp
Classification: Likely benign for Hereditary thrombocytopenia and hematological cancer predisposition syndrome associated with RUNX1. Last evaluated: 2022-05-19. Review status: criteria provided, single submitter. Criteria: Invitae Variant Classification Sherloc (09022015). Collection method: clinical testing. Allele origin: germline. Not counted in ClinVar's aggregate classification.

NM_001754.5(RUNX1):c.509-11T>C

Genes: RUNX1 (RUNX family transcription factor 1; minus strand), RUNX1-AS1 (RUNX1 antisense RNA 1; plus strand). Cytogenetic location: 21q22.12.
Variant type: single nucleotide variant.
Coding change: c.509-11T>C on transcript NM_001754.5 (MANE Select); 11 bases into the intron before coding-DNA position 509, T replaced by C.
Molecular consequence: intron variant.
Genome position (GRCh38, 1-based): chr21:34,859,589, A>G on the plus strand (T>C on the coding strand, the complement: RUNX1 is on the minus strand). VCF-style: chr21-34859589-A-G. GRCh37 (hg19) VCF-style: chr21-36231886-A-G.
Other names: c.428-11T>C (NM_001001890.3, NM_001122607.2).
Identifiers: ClinVar variation 1996609 (VCV001996609.5), dbSNP rs2146237192, ClinGen allele CA2580098644.
Genomic context (GRCh38, chr21:34,859,589, plus strand): 5'-GACTTGCGGTGGGTTTGTGAAGACAGTGATGGTCAGAGTGAAGCTTTTCCCTGTGGGGAC[A>G]CGATAGAGAACAAAACAGAATGAGGTTGGTGGCCTGAACATATCTGTTGAATAACCAATC-3'